The following is an entry in ClinVar:

NM_000465.4(BARD1):c.1753C>G (p.Leu585Val)

Gene: BARD1 (BRCA1 associated RING domain 1; minus strand). Cytogenetic location: 2q35.
Variant type: single nucleotide variant.
Coding change: c.1753C>G on transcript NM_000465.4 (MANE Select); coding-DNA position 1753, C replaced by G.
Protein change: p.Leu585Val; replaces leucine 585 with valine.
Molecular consequence: missense variant. On other transcripts: non-coding transcript variant (3), intron variant (1).
Genome position (GRCh38, 1-based): chr2:214,745,779, G>C on the plus strand (C>G on the coding strand, the complement: BARD1 is on the minus strand). VCF-style: chr2-214745779-G-C. GRCh37 (hg19) VCF-style: chr2-215610503-G-C.
Other names: c.1696C>G, p.Leu566Val (NM_001282543.2); c.400C>G, p.Leu134Val (NM_001282545.2); c.343C>G, p.Leu115Val (NM_001282548.2); c.365-15271C>G (NM_001282549.2); short protein forms L585V, L566V, L115V, L134V.
Identifiers: ClinVar variation 489659 (VCV000489659.15), dbSNP rs1553615132, ClinGen allele CA350452903.
Genomic context (GRCh38, chr2:214,745,779, plus strand): 5'-CACCTGTACTGTCAAACTCAGTATATTTTTTAGCCTTAAGAATTACTGCAAGCTCACTGA[G>C]CATTTTCTGTTGTTCTGAAGACAGCCCACTGCCTATAAGTACAAGAGGTCCATCCCTACG-3'
Protein context (NP_000456.2, residues 575-595): SGLSSEQQKM[Leu585Val]SELAVILKAK

ClinVar aggregate classification (germline): Uncertain significance. Review status: criteria provided, multiple submitters, no conflicts (2 of 4 stars). 2 submissions from 2 submitters: Uncertain significance (2). Last evaluated 2024-04-27.

Conditions:
Hereditary cancer-predisposing syndrome. Also called: Hereditary Cancer Syndrome; Neoplastic Syndromes, Hereditary; Tumor predisposition; Hereditary neoplastic syndrome. Identifiers: Orphanet 140162, MedGen C0027672, MeSH D009386, MONDO:0015356.
Familial cancer of breast. Also called: Hereditary breast cancer; BREAST CANCER, FAMILIAL; hereditary breast carcinoma. Identifiers: Orphanet 227535, MedGen C0346153, MONDO:0016419, OMIM 114480. Disease mechanism: loss of function.

Submissions (2):

Labcorp Genetics (formerly Invitae), Labcorp
Classification: Uncertain significance for Familial cancer of breast. Last evaluated: 2024-04-27. Review status: criteria provided, single submitter. Criteria: Invitae Variant Classification Sherloc (09022015). Collection method: clinical testing. Allele origin: germline.
Comment: This sequence change replaces leucine, which is neutral and non-polar, with valine, which is neutral and non-polar, at codon 585 of the BARD1 protein (p.Leu585Val). This variant is not present in population databases (gnomAD no frequency). This variant has not been reported in the literature in individuals affected with BARD1-related conditions. ClinVar contains an entry for this variant (Variation ID: 489659). An algorithm developed to predict the effect of missense changes on protein structure and function (PolyPhen-2) suggests that this variant is likely to be disruptive. Algorithms developed to predict the effect of sequence changes on RNA splicing suggest that this variant may create or strengthen a splice site. In summary, the available evidence is currently insufficient to determine the role of this variant in disease. Therefore, it has been classified as a Variant of Uncertain Significance.

Color Diagnostics, LLC DBA Color Health
Classification: Uncertain significance for Hereditary cancer-predisposing syndrome. Last evaluated: 2023-12-05. Review status: criteria provided, single submitter. Criteria: ACMG Guidelines, 2015. Collection method: clinical testing. Allele origin: germline.
Comment: This missense variant replaces leucine with valine at codon 585 of the BARD1 protein. Computational prediction is inconclusive regarding the impact of this variant on protein structure and function (internally defined REVEL score threshold 0.5 < inconclusive < 0.7, PMID: 27666373). To our knowledge, functional studies have not been reported for this variant. This variant has not been reported in individuals affected with BARD1-related disorders in the literature. This variant has not been identified in the general population by the Genome Aggregation Database (gnomAD). The available evidence is insufficient to determine the role of this variant in disease conclusively. Therefore, this variant is classified as a Variant of Uncertain Significance.